The following is an entry in ClinVar:

ClinVar aggregate classification (germline): Uncertain significance. Review status: criteria provided, multiple submitters, no conflicts (2 of 4 stars). 3 submissions from 3 submitters: Uncertain significance (3). Last evaluated 2024-08-31.

Allele frequency attached by ClinVar (database versions not stated): TOPMed below 0.00001; gnomAD 0.00001.
gnomAD v4.1: 8 of 1,613,916 alleles (0.0005%); highest among the groups gnomAD compares: Non-Finnish European, 0.00068%; no homozygotes.

Submissions (3):

Labcorp Genetics (formerly Invitae), Labcorp
Classification: Uncertain significance. Last evaluated: 2024-08-31. Review status: criteria provided, single submitter. Criteria: Invitae Variant Classification Sherloc (09022015). Collection method: clinical testing. Allele origin: germline.
Comment: This sequence change replaces alanine, which is neutral and non-polar, with threonine, which is neutral and polar, at codon 29 of the SCN3A protein (p.Ala29Thr). This variant is not present in population databases (gnomAD no frequency). This variant has not been reported in the literature in individuals affected with SCN3A-related conditions. ClinVar contains an entry for this variant (Variation ID: 1194300). Invitae Evidence Modeling of protein sequence and biophysical properties (such as structural, functional, and spatial information, amino acid conservation, physicochemical variation, residue mobility, and thermodynamic stability) indicates that this missense variant is not expected to disrupt SCN3A protein function with a negative predictive value of 95%. In summary, the available evidence is currently insufficient to determine the role of this variant in disease. Therefore, it has been classified as a Variant of Uncertain Significance.

Blueprint Genetics
Classification: Uncertain significance. Last evaluated: 2024-05-28. Review status: criteria provided, single submitter. Criteria: ACMG Guidelines, 2015. Collection method: clinical testing. Allele origin: germline.

GeneDx
Classification: Uncertain significance. Last evaluated: 2020-09-22. Review status: criteria provided, single submitter. Criteria: GeneDx Variant Classification Process June 2021. Collection method: clinical testing. Allele origin: germline. Affected: yes.
Comment: Not observed in large population cohorts (Lek et al., 2016); In silico analysis supports that this missense variant does not alter protein structure/function; Has not been previously published as pathogenic or benign to our knowledge

NM_006922.4(SCN3A):c.85G>A (p.Ala29Thr)

Gene: SCN3A (sodium voltage-gated channel alpha subunit 3; minus strand). Cytogenetic location: 2q24.3.
Variant type: single nucleotide variant.
Coding change: c.85G>A on transcript NM_006922.4 (MANE Select); coding-DNA position 85, G replaced by A.
Protein change: p.Ala29Thr; replaces alanine 29 with threonine.
Molecular consequence: missense variant.
Genome position (GRCh38, 1-based): chr2:165,176,310, C>T on the plus strand (G>A on the coding strand, the complement: SCN3A is on the minus strand). VCF-style: chr2-165176310-C-T. GRCh37 (hg19) VCF-style: chr2-166032820-C-T.
Other names: c.85G>A, p.Ala29Thr (NM_001081676.2, NM_001081677.2); short protein forms A29T.
Identifiers: ClinVar variation 1194300 (VCV001194300.11), dbSNP rs1690456258, ClinGen allele CA349241110.